The following is an entry in ClinVar:

NM_000283.4(PDE6B):c.2125G>A (p.Val709Ile)

Gene: PDE6B (phosphodiesterase 6B; plus strand). Cytogenetic location: 4p16.3.
Variant type: single nucleotide variant.
Coding change: c.2125G>A on transcript NM_000283.4 (MANE Select); coding-DNA position 2125, G replaced by A.
Protein change: p.Val709Ile; replaces valine 709 with isoleucine.
Molecular consequence: missense variant.
Genome position (GRCh38, 1-based): chr4:664,217, G>A. VCF-style: chr4-664217-G-A. GRCh37 (hg19) VCF-style: chr4-658006-G-A.
Other names: c.2125G>A, p.Val709Ile (NM_001145291.2); c.1288G>A, p.Val430Ile (NM_001145292.2, NM_001350154.3, NM_001379246.1 and 1 more transcripts); c.970G>A, p.Val324Ile (NM_001350155.3); short protein forms V324I, V430I, V709I.
Identifiers: ClinVar variation 1005096 (VCV001005096.8), dbSNP rs1737505080, ClinGen allele CA355919562.

ClinVar aggregate classification (germline): Uncertain significance (1 of 4 stars; one submission).

Submission:

Labcorp Genetics (formerly Invitae), Labcorp
Classification: Uncertain significance. Last evaluated: 2022-02-03. Review status: criteria provided, single submitter. Criteria: Invitae Variant Classification Sherloc (09022015). Collection method: clinical testing. Allele origin: germline.
Comment: This sequence change replaces valine, which is neutral and non-polar, with isoleucine, which is neutral and non-polar, at codon 709 of the PDE6B protein (p.Val709Ile). This variant is not present in population databases (gnomAD no frequency). This variant has not been reported in the literature in individuals affected with PDE6B-related conditions. ClinVar contains an entry for this variant (Variation ID: 1005096). Algorithms developed to predict the effect of missense changes on protein structure and function output the following: SIFT: "Tolerated"; PolyPhen-2: "Benign"; Align-GVGD: "Class C0". The isoleucine amino acid residue is found in multiple mammalian species, which suggests that this missense change does not adversely affect protein function. In summary, the available evidence is currently insufficient to determine the role of this variant in disease. Therefore, it has been classified as a Variant of Uncertain Significance.